The following is an entry in ClinVar:

NM_000275.3(OCA2):c.647-1G>A

Gene: OCA2 (OCA2 melanosomal transmembrane protein; minus strand). Cytogenetic location: 15q13.1.
Variant type: single nucleotide variant.
Coding change: c.647-1G>A on transcript NM_000275.3 (MANE Select); the canonical splice acceptor site of the intron before coding-DNA position 647, G replaced by A.
Molecular consequence: splice acceptor variant.
Genome position (GRCh38, 1-based): chr15:28,018,558, C>T on the plus strand (G>A on the coding strand, the complement: OCA2 is on the minus strand). VCF-style: chr15-28018558-C-T. GRCh37 (hg19) VCF-style: chr15-28263704-C-T.
Other names: c.647-1G>A (NM_001300984.2).
Identifiers: ClinVar variation 4737649 (VCV004737649.2).

ClinVar aggregate classification (germline): Pathogenic/Likely pathogenic. Review status: criteria provided, multiple submitters, no conflicts (2 of 4 stars). 2 submissions from 2 submitters: Pathogenic (1); Likely pathogenic (1). Last evaluated 2025-12-21.

Conditions:
OCA2-related disorder. Also called: OCA2-related condition.

Submissions (2):

Labcorp Genetics (formerly Invitae), Labcorp
Classification: Likely pathogenic. Last evaluated: 2025-12-21. Review status: criteria provided, single submitter. Criteria: Invitae Variant Classification Sherloc (09022015). Collection method: clinical testing. Allele origin: germline.
Comment: This sequence change affects an acceptor splice site in intron 6 of the OCA2 gene. It is expected to disrupt RNA splicing. Variants that disrupt the donor or acceptor splice site typically lead to a loss of protein function (PMID: 16199547), and loss-of-function variants in OCA2 are known to be pathogenic (PMID: 19865097, 21541274). This variant is not present in population databases (gnomAD no frequency). Disruption of this splice site has been observed in individual(s) with oculocutaneous albinism (PMID: 29345414). Algorithms developed to predict the effect of sequence changes on RNA splicing suggest that this variant may create or strengthen a splice site. In summary, the currently available evidence indicates that the variant is pathogenic, but additional data are needed to prove that conclusively. Therefore, this variant has been classified as Likely Pathogenic.

Blueprint Genetics
Classification: Pathogenic for OCA2-related disorders. Last evaluated: 2023-03-01. Review status: criteria provided, single submitter. Criteria: ACMG Guidelines, 2015. Collection method: clinical testing. Allele origin: germline. Affected: yes. Observed: 2 variant alleles.

Literature cited by the submitters: PubMed 16199547 (cited by Labcorp Genetics (formerly Invitae), Labcorp); PubMed 19865097 (cited by Labcorp Genetics (formerly Invitae), Labcorp); PubMed 21541274 (cited by Labcorp Genetics (formerly Invitae), Labcorp); PubMed 29345414 (cited by Labcorp Genetics (formerly Invitae), Labcorp).